The following is an entry in ClinVar:

NM_012123.4(MTO1):c.1967A>G (p.Asn656Ser)

Gene: MTO1 (mitochondrial tRNA translation optimization 1; plus strand). Cytogenetic location: 6q13.
Variant type: single nucleotide variant.
Coding change: c.1967A>G on transcript NM_012123.4 (MANE Select); coding-DNA position 1967, A replaced by G.
Protein change: p.Asn656Ser; replaces asparagine 656 with serine.
Molecular consequence: missense variant.
Genome position (GRCh38, 1-based): chr6:73,500,623, A>G. VCF-style: chr6-73500623-A-G. GRCh37 (hg19) VCF-style: chr6-74210346-A-G.
Other names: c.2087A>G, p.Asn696Ser (NM_001123226.2); c.2042A>G, p.Asn681Ser (NM_133645.3); short protein forms N656S, N681S, N696S.
Identifiers: ClinVar variation 1449034 (VCV001449034.6), dbSNP rs759983774, ClinGen allele CA3889802.

ClinVar aggregate classification (germline): Uncertain significance (1 of 4 stars; one submission).

Conditions:
Mitochondrial hypertrophic cardiomyopathy with lactic acidosis due to MTO1 deficiency. Also called: Combined oxidative phosphorylation deficiency 10; CARDIOMYOPATHY, INFANTILE HYPERTROPHIC MITOCHONDRIAL, AND LACTIC ACIDOSIS. Identifiers: Orphanet 314637, MedGen C4749921, MONDO:0013865, OMIM 614702.

Allele frequency attached by ClinVar (database versions not stated): gnomAD exomes 0.00001; ExAC 0.00001; gnomAD 0.00004; TOPMed 0.00004.
gnomAD v4.1: 20 of 1,613,944 alleles (0.0012%); highest among the groups gnomAD compares: African/African-American, 0.0053%; no homozygotes.

Submission:

Labcorp Genetics (formerly Invitae), Labcorp
Classification: Uncertain significance for Mitochondrial hypertrophic cardiomyopathy with lactic acidosis due to MTO1 deficiency. Last evaluated: 2022-06-19. Review status: criteria provided, single submitter. Criteria: Invitae Variant Classification Sherloc (09022015). Collection method: clinical testing. Allele origin: germline.
Comment: This sequence change replaces asparagine, which is neutral and polar, with serine, which is neutral and polar, at codon 656 of the MTO1 protein (p.Asn656Ser). This variant is present in population databases (rs759983774, gnomAD 0.003%). This variant has not been reported in the literature in individuals affected with MTO1-related conditions. Algorithms developed to predict the effect of missense changes on protein structure and function are either unavailable or do not agree on the potential impact of this missense change (SIFT: "Tolerated"; PolyPhen-2: "Possibly Damaging"; Align-GVGD: "Class C0"). Algorithms developed to predict the effect of sequence changes on RNA splicing suggest that this variant may create or strengthen a splice site. In summary, the available evidence is currently insufficient to determine the role of this variant in disease. Therefore, it has been classified as a Variant of Uncertain Significance.